The following is an entry in ClinVar:

NM_172362.3(KCNH1):c.586C>T (p.Pro196Ser)

Gene: KCNH1 (potassium voltage-gated channel subfamily H member 1; minus strand). Cytogenetic location: 1q32.2.
Variant type: single nucleotide variant.
Coding change: c.586C>T on transcript NM_172362.3 (MANE Select); coding-DNA position 586, C replaced by T.
Protein change: p.Pro196Ser; replaces proline 196 with serine.
Molecular consequence: missense variant.
Genome position (GRCh38, 1-based): chr1:211,019,229, G>A on the plus strand (C>T on the coding strand, the complement: KCNH1 is on the minus strand). VCF-style: chr1-211019229-G-A. GRCh37 (hg19) VCF-style: chr1-211192571-G-A.
Other names: c.586C>T, p.Pro196Ser (NM_002238.4); short protein forms P196S.
Identifiers: ClinVar variation 3633741 (VCV003633741.2).

ClinVar aggregate classification (germline): Uncertain significance (1 of 4 stars; one submission).

Submission:

Labcorp Genetics (formerly Invitae), Labcorp
Classification: Uncertain significance. Last evaluated: 2025-06-04. Review status: criteria provided, single submitter. Criteria: Invitae Variant Classification Sherloc (09022015). Collection method: clinical testing. Allele origin: germline.
Comment: This sequence change replaces proline, which is neutral and non-polar, with serine, which is neutral and polar, at codon 196 of the KCNH1 protein (p.Pro196Ser). This variant is not present in population databases (gnomAD no frequency). This variant has not been reported in the literature in individuals affected with KCNH1-related conditions. ClinVar contains an entry for this variant (Variation ID: 3633741). Invitae Evidence Modeling of protein sequence and biophysical properties (such as structural, functional, and spatial information, amino acid conservation, physicochemical variation, residue mobility, and thermodynamic stability) has been performed for this missense variant. However, the output from this modeling did not meet the statistical confidence thresholds required to predict the impact of this variant on KCNH1 protein function. In summary, the available evidence is currently insufficient to determine the role of this variant in disease. Therefore, it has been classified as a Variant of Uncertain Significance.